The following is an entry in ClinVar:

NM_000548.5(TSC2):c.1358T>C (p.Phe453Ser)

Gene: TSC2 (TSC complex subunit 2; plus strand). Cytogenetic location: 16p13.3.
Variant type: single nucleotide variant.
Coding change: c.1358T>C on transcript NM_000548.5 (MANE Select); coding-DNA position 1358, T replaced by C.
Protein change: p.Phe453Ser; replaces phenylalanine 453 with serine.
Molecular consequence: missense variant. On other transcripts: 5 prime UTR variant (1), non-coding transcript variant (5).
Genome position (GRCh38, 1-based): chr16:2,062,597, T>C. VCF-style: chr16-2062597-T-C. GRCh37 (hg19) VCF-style: chr16-2112598-T-C.
Other names: c.14T>C, p.Phe5Ser (NM_001406695.1, NM_001406696.1, NM_001406697.1 and 6 more transcripts); c.-163T>C (NM_001406698.1); c.1358T>C, p.Phe453Ser (NM_021055.3, NM_001370404.1, NM_001370405.1 and 6 more transcripts); c.1211T>C, p.Phe404Ser (NM_001406676.1, NM_001406679.1, NM_001406675.1 and 1 more transcripts); c.1301T>C, p.Phe434Ser (NM_001406677.1); c.1247T>C, p.Phe416Ser (NM_001406678.1, NM_001406670.1, NM_001318827.2); c.758T>C, p.Phe253Ser (NM_001406680.1, NM_001406682.1, NM_001406683.1 and 6 more transcripts); c.896T>C, p.Phe299Ser (NM_001406681.1); and 3 more; short protein forms F416S, F464S, F5S, F299S, F483S, F404S, F434S, F449S.
Identifiers: ClinVar variation 5031342 (VCV005031342.1).

ClinVar aggregate classification (germline): Uncertain significance (1 of 4 stars; one submission).

Conditions:
Hereditary cancer-predisposing syndrome. Also called: Neoplastic Syndromes, Hereditary; Tumor predisposition; Hereditary neoplastic syndrome; Hereditary Cancer Syndrome. Identifiers: Orphanet 140162, MedGen C0027672, MeSH D009386, MONDO:0015356.

Submission:

Ambry Genetics
Classification: Uncertain significance for Hereditary cancer-predisposing syndrome. Last evaluated: 2026-07-06. Review status: criteria provided, single submitter. Criteria: Ambry Variant Classification Scheme 2023. Collection method: clinical testing. Allele origin: germline.
Comment: The p.F453S variant (also known as c.1358T>C), located in coding exon 12 of the TSC2 gene, results from a T to C substitution at nucleotide position 1358. The phenylalanine at codon 453 is replaced by serine, an amino acid with highly dissimilar properties. This amino acid position is conserved. In addition, this alteration is predicted to be deleterious by in silico analysis. Based on the available evidence, the clinical significance of this variant remains unclear.